The following is an entry in ClinVar:

ClinVar aggregate classification (germline): Uncertain significance (1 of 4 stars; one submission).

Conditions:
Cardiovascular phenotype. Identifiers: MedGen CN230736.

Submission:

Ambry Genetics
Classification: Uncertain significance for Cardiovascular phenotype. Last evaluated: 2025-04-19. Review status: criteria provided, single submitter. Criteria: Ambry Variant Classification Scheme 2023. Collection method: clinical testing. Allele origin: germline.
Comment: The p.A143G variant (also known as c.428C>G), located in coding exon 4 of the EPHB4 gene, results from a C to G substitution at nucleotide position 428. The alanine at codon 143 is replaced by glycine, an amino acid with similar properties. This amino acid position is conserved. In addition, this alteration is predicted to be tolerated by in silico analysis. Based on the available evidence, the clinical significance of this variant remains unclear.

NM_004444.5(EPHB4):c.428C>G (p.Ala143Gly)

Gene: EPHB4 (EPH receptor B4; minus strand). Cytogenetic location: 7q22.1.
Variant type: single nucleotide variant.
Coding change: c.428C>G on transcript NM_004444.5 (MANE Select); coding-DNA position 428, C replaced by G.
Protein change: p.Ala143Gly; replaces alanine 143 with glycine.
Molecular consequence: missense variant.
Genome position (GRCh38, 1-based): chr7:100,822,651, G>C on the plus strand (C>G on the coding strand, the complement: EPHB4 is on the minus strand). VCF-style: chr7-100822651-G-C. GRCh37 (hg19) VCF-style: chr7-100420273-G-C.
Other names: short protein forms A143G.
Identifiers: ClinVar variation 4018806 (VCV004018806.1).